The following is an entry in ClinVar:

ClinVar aggregate classification (germline): Pathogenic (1 of 4 stars; one submission).

Conditions:
Familial thoracic aortic aneurysm and aortic dissection (TAAD). Also called: Thoracic aortic aneurysms and dissections. Identifiers: Orphanet 91387, MedGen C4707243, MONDO:0019625.
Marfan syndrome (MFS). Also called: MARFAN SYNDROME, TYPE I; Marfan syndrome type 1; Marfan's syndrome; Marfan syndrome, classic; FBN1-Related Marfan Syndrome. Identifiers: Orphanet 284963, Orphanet 558, MedGen C0024796, MONDO:0007947, OMIM 154700.

Submission:

Labcorp Genetics (formerly Invitae), Labcorp
Classification: Pathogenic for Marfan syndrome; Familial thoracic aortic aneurysm and aortic dissection. Last evaluated: 2022-03-16. Review status: criteria provided, single submitter. Criteria: Invitae Variant Classification Sherloc (09022015). Collection method: clinical testing. Allele origin: germline.
Comment: This sequence change inserts a large fragment of DNA, likely a transposable element, in exon 66 of the FBN1 gene (c.8526_8527ins?), causing a frameshift at codon 2843 (p.Asn2843fs). The exact size and sequence of the insertion cannot be determined by the current assay. However, the insertion is expected to result in an absent or disrupted protein product. This variant is not present in population databases (gnomAD no frequency). This variant has not been reported in the literature in individuals affected with FBN1-related conditions. This variant disrupts a region of the FBN1 protein in which other variant(s) (p.Gly2859Valfs*4) have been determined to be pathogenic (Invitae). This suggests that this is a clinically significant region of the protein, and that variants that disrupt it are likely to be disease-causing. Retrotransposon insertions including LINE1 (L1), Alu, and SVA (SINE-VNTR-Alu) have been reported to disrupt protein function (PMID: 19763152, 20307669, 22406018). However the effect of this particular variant is unknown. For these reasons, this variant has been classified as Pathogenic.

Literature cited by the submitters: PubMed 19763152; PubMed 20307669; PubMed 22406018.

NM_000138.5(FBN1):c.8512_8526A[5]GAAAGAACTTGGAGGAGGAGCCAAGATGGCCGAATAGGAACAGCTCCGGTCTACAGCTCCCAGCGTGAGCGACGCAGAAGANNNNNNNNNNAAAAAAAAAAAAAAAAAAAAAAAAAGAAAGAACTT[1] (p.Asn2843delinsGlyGlyGlyAlaLysMetAlaGluTer)

Gene: FBN1 (fibrillin 1; minus strand). Cytogenetic location: 15q21.1.
Variant type: Insertion.
Coding change: c.8512_8526A[5]GAAAGAACTTGGAGGAGGAGCCAAGATGGCCGAATAGGAACAGCTCCGGTCTACAGCTCCCAGCGTGAGCGACGCAGAAGANNNNNNNNNNAAAAAAAAAAAAAAAAAAAAAAAAAGAAAGAACTT[1] on transcript NM_000138.5 (MANE Select).
Protein change: p.Asn2843delinsGlyGlyGlyAlaLysMetAlaGluTer.
Molecular consequence: nonsense. On other transcripts: frameshift variant (1).
Genome position: GRCh38: chr15:48,411,094-48,411,095. GRCh37 (hg19): chr15:48,703,291-48,703,292.
Other names: c.8511_8512insAAAAAGAAAGAACTTGGAGGAGGAGCCAAGATGGCCGAATAGGAACAGCTCCGGTCTACAGCTCCCAGCGTGAGCGACGCAGAAGANNNNNNNNNNAAAAAAAAAAAAAAAAAAAA, p.Asn2843Glyfs (NM_001406716.1).
Identifiers: ClinVar variation 2102751 (VCV002102751.4), dbSNP rs2505370594.